The following is an entry in ClinVar:

ClinVar aggregate classification (germline): Uncertain significance (1 of 4 stars; one submission).

Conditions:
Hereditary cancer-predisposing syndrome. Also called: Hereditary neoplastic syndrome; Tumor predisposition; Hereditary Cancer Syndrome; Neoplastic Syndromes, Hereditary. Identifiers: Orphanet 140162, MedGen C0027672, MeSH D009386, MONDO:0015356.

Submission:

Ambry Genetics
Classification: Uncertain significance for Hereditary cancer-predisposing syndrome. Last evaluated: 2023-07-13. Review status: criteria provided, single submitter. Criteria: Ambry Variant Classification Scheme 2023. Collection method: clinical testing. Allele origin: germline.
Comment: The p.V1885G variant (also known as c.5654T>G), located in coding exon 26 of the DICER1 gene, results from a T to G substitution at nucleotide position 5654. The valine at codon 1885 is replaced by glycine, an amino acid with dissimilar properties. This amino acid position is conserved. In addition, this alteration is predicted to be deleterious by in silico analysis. Since supporting evidence is limited at this time, the clinical significance of this alteration remains unclear.

NM_177438.3(DICER1):c.5654T>G (p.Val1885Gly)

Gene: DICER1 (dicer 1, ribonuclease III; minus strand). Cytogenetic location: 14q32.13.
Variant type: single nucleotide variant.
Coding change: c.5654T>G on transcript NM_177438.3 (MANE Select); coding-DNA position 5654, T replaced by G.
Protein change: p.Val1885Gly; replaces valine 1885 with glycine.
Molecular consequence: missense variant. On other transcripts: 3 prime UTR variant (1), non-coding transcript variant (6).
Genome position (GRCh38, 1-based): chr14:95,090,613, A>C on the plus strand (T>G on the coding strand, the complement: DICER1 is on the minus strand). VCF-style: chr14-95090613-A-C. GRCh37 (hg19) VCF-style: chr14-95556950-A-C.
Other names: c.*1T>G (NM_001195573.1); c.5654T>G, p.Val1885Gly (NM_001271282.3, NM_001291628.2, NM_001395677.1 and 8 more transcripts); c.5372T>G, p.Val1791Gly (NM_001395686.1); c.5249T>G, p.Val1750Gly (NM_001395687.1, NM_001395688.1, NM_001395689.1 and 1 more transcripts); c.5087T>G, p.Val1696Gly (NM_001395691.1); c.3971T>G, p.Val1324Gly (NM_001395697.1); short protein forms V1324G, V1696G, V1885G, V1750G, V1791G.
Identifiers: ClinVar variation 2586406 (VCV002586406.2), dbSNP rs2542391431, ClinGen allele CA390863453.